The following is an entry in ClinVar:

NM_002109.6(HARS1):c.1286C>T (p.Ser429Leu)

Gene: HARS1 (histidyl-tRNA synthetase 1; minus strand). Cytogenetic location: 5q31.3.
Variant type: single nucleotide variant.
Coding change: c.1286C>T on transcript NM_002109.6 (MANE Select); coding-DNA position 1286, C replaced by T.
Protein change: p.Ser429Leu; replaces serine 429 with leucine.
Molecular consequence: missense variant.
Genome position (GRCh38, 1-based): chr5:140,675,042, G>A on the plus strand (C>T on the coding strand, the complement: HARS1 is on the minus strand). VCF-style: chr5-140675042-G-A. GRCh37 (hg19) VCF-style: chr5-140054627-G-A.
Other names: c.1166C>T, p.Ser389Leu (NM_001258040.3); c.1226C>T, p.Ser409Leu (NM_001258041.3); c.1106C>T, p.Ser369Leu (NM_001258042.3); c.1064C>T, p.Ser355Leu (NM_001289092.2); c.944C>T, p.Ser315Leu (NM_001289093.2); c.1199C>T, p.Ser400Leu (NM_001289094.2); short protein forms S369L, S315L, S400L, S355L, S389L, S409L, S429L.
Identifiers: ClinVar variation 2091631 (VCV002091631.4), dbSNP rs758941515, ClinGen allele CA3443861.

ClinVar aggregate classification (germline): Uncertain significance (1 of 4 stars; one submission).

Conditions:
Usher syndrome type 3B. Also called: USHER SYNDROME, TYPE IIIB. Identifiers: MedGen C3281066, MONDO:0013788, OMIM 614504.

Allele frequency attached by ClinVar (database versions not stated): ExAC 0.00001; gnomAD 0.00001; TOPMed 0.00001.

Submission:

Labcorp Genetics (formerly Invitae), Labcorp
Classification: Uncertain significance for Usher syndrome type 3B. Last evaluated: 2022-08-08. Review status: criteria provided, single submitter. Criteria: Invitae Variant Classification Sherloc (09022015). Collection method: clinical testing. Allele origin: germline.
Comment: In summary, the available evidence is currently insufficient to determine the role of this variant in disease. Therefore, it has been classified as a Variant of Uncertain Significance. Algorithms developed to predict the effect of missense changes on protein structure and function (SIFT, PolyPhen-2, Align-GVGD) all suggest that this variant is likely to be tolerated. This variant has not been reported in the literature in individuals affected with HARS-related conditions. This variant is not present in population databases (gnomAD no frequency). This sequence change replaces serine, which is neutral and polar, with leucine, which is neutral and non-polar, at codon 429 of the HARS protein (p.Ser429Leu).